The following is an entry in ClinVar:

ClinVar aggregate classification (germline): Uncertain significance (1 of 4 stars; one submission).

gnomAD v4.1: 1 of 1,613,752 alleles (0.000062%); highest among the groups gnomAD compares: Non-Finnish European, 0.000085%; no homozygotes.

Submission:

Labcorp Genetics (formerly Invitae), Labcorp
Classification: Uncertain significance. Last evaluated: 2025-05-14. Review status: criteria provided, single submitter. Criteria: Invitae Variant Classification Sherloc (09022015). Collection method: clinical testing. Allele origin: germline.
Comment: This sequence change replaces glycine, which is neutral and non-polar, with glutamic acid, which is acidic and polar, at codon 233 of the COL4A3 protein (p.Gly233Glu). This variant is not present in population databases (gnomAD no frequency). This missense change has been observed in individual(s) with steroid resistant nephrotic syndrome (PMID: 28780565). Invitae Evidence Modeling of protein sequence and biophysical properties (such as structural, functional, and spatial information, amino acid conservation, physicochemical variation, residue mobility, and thermodynamic stability) has been performed for this missense variant. However, the output from this modeling did not meet the statistical confidence thresholds required to predict the impact of this variant on COL4A3 protein function. This variant disrupts the p.Gly233 amino acid residue in COL4A3. Other variant(s) that disrupt this residue have been determined to be pathogenic (PMID: 36292665). This suggests that this residue is clinically significant, and that variants that disrupt this residue are likely to be disease-causing. In summary, the available evidence is currently insufficient to determine the role of this variant in disease. Therefore, it has been classified as a Variant of Uncertain Significance.

Literature cited by the submitters: PubMed 28780565; PubMed 36292665.

NM_000091.5(COL4A3):c.698G>A (p.Gly233Glu)

Genes: COL4A3 (collagen type IV alpha 3 chain; plus strand), MFF-DT (MFF divergent transcript; minus strand). Cytogenetic location: 2q36.3.
Variant type: single nucleotide variant.
Coding change: c.698G>A on transcript NM_000091.5 (MANE Select); coding-DNA position 698, G replaced by A.
Protein change: p.Gly233Glu; replaces glycine 233 with glutamic acid.
Molecular consequence: missense variant.
Genome position (GRCh38, 1-based): chr2:227,253,571, G>A. VCF-style: chr2-227253571-G-A. GRCh37 (hg19) VCF-style: chr2-228118287-G-A.
Other names: short protein forms G233E.
Identifiers: ClinVar variation 4747140 (VCV004747140.1).